The following is an entry in ClinVar:

ClinVar aggregate classification (germline): Uncertain significance (1 of 4 stars; one submission).

Allele frequency attached by ClinVar (database versions not stated): gnomAD exomes 0.00001; gnomAD 0.00006; ExAC 0.00003; TOPMed 0.00009.
gnomAD v4.1: 17 of 1,613,526 alleles (0.0011%); highest among the groups gnomAD compares: African/African-American, 0.023%; no homozygotes.

Submission:

Labcorp Genetics (formerly Invitae), Labcorp
Classification: Uncertain significance. Last evaluated: 2025-10-23. Review status: criteria provided, single submitter. Criteria: Invitae Variant Classification Sherloc (09022015). Collection method: clinical testing. Allele origin: germline.
Comment: This sequence change replaces threonine, which is neutral and polar, with alanine, which is neutral and non-polar, at codon 905 of the C3 protein (p.Thr905Ala). This variant is present in population databases (rs776132340, gnomAD 0.05%). This variant has not been reported in the literature in individuals affected with C3-related conditions. ClinVar contains an entry for this variant (Variation ID: 2909458). Invitae Evidence Modeling of protein sequence and biophysical properties (such as structural, functional, and spatial information, amino acid conservation, physicochemical variation, residue mobility, and thermodynamic stability) indicates that this missense variant is not expected to disrupt C3 protein function with a negative predictive value of 80%. In summary, the available evidence is currently insufficient to determine the role of this variant in disease. Therefore, it has been classified as a Variant of Uncertain Significance.

NM_000064.4(C3):c.2713A>G (p.Thr905Ala)

Gene: C3 (complement C3; minus strand). Cytogenetic location: 19p13.3.
Variant type: single nucleotide variant.
Coding change: c.2713A>G on transcript NM_000064.4 (MANE Select); coding-DNA position 2713, A replaced by G.
Protein change: p.Thr905Ala; replaces threonine 905 with alanine.
Molecular consequence: missense variant.
Genome position (GRCh38, 1-based): chr19:6,697,427, T>C on the plus strand (A>G on the coding strand, the complement: C3 is on the minus strand). VCF-style: chr19-6697427-T-C. GRCh37 (hg19) VCF-style: chr19-6697438-T-C.
Other names: short protein forms T905A.
Identifiers: ClinVar variation 2909458 (VCV002909458.3), dbSNP rs776132340, ClinGen allele CA9128984.